The following is an entry in ClinVar:

ClinVar aggregate classification (germline): Likely benign. Review status: criteria provided, multiple submitters, no conflicts (2 of 4 stars). 3 submissions from 3 submitters: Likely benign (3). Last evaluated 2026-07-30.

Conditions:
Hereditary cancer-predisposing syndrome. Also called: Hereditary Cancer Syndrome; Tumor predisposition; Hereditary neoplastic syndrome; Neoplastic Syndromes, Hereditary. Identifiers: Orphanet 140162, MedGen C0027672, MeSH D009386, MONDO:0015356.
PTCH1-related disorder. Also called: PTCH1-related disorders; PTCH1-related condition.

Submissions (3):

PreventionGenetics, part of Exact Sciences
Classification: Likely benign for PTCH1-related condition. Last evaluated: 2026-07-30. Review status: criteria provided, single submitter. Criteria: ACMG Guidelines, 2015. Collection method: clinical testing. Allele origin: germline.
Comment: This variant is classified as likely benign based on ACMG/AMP sequence variant interpretation guidelines (Richards et al. 2015 PMID: 25741868, with internal and published modifications).

Ambry Genetics
Classification: Likely benign for Hereditary cancer-predisposing syndrome. Last evaluated: 2023-06-22. Review status: criteria provided, single submitter. Criteria: Ambry Variant Classification Scheme 2023. Collection method: clinical testing. Allele origin: germline.

GeneDx
Classification: Likely benign. Last evaluated: 2016-07-01. Review status: criteria provided, single submitter. Criteria: GeneDx Variant Classification (06012015). Collection method: clinical testing. Allele origin: germline. Affected: yes.
Comment: This variant is considered likely benign or benign based on one or more of the following criteria: it is a conservative change, it occurs at a poorly conserved position in the protein, it is predicted to be benign by multiple in silico algorithms, and/or has population frequency not consistent with disease.

NM_000264.5(PTCH1):c.-24GGC[10]

Genes: PTCH1 (patched 1; minus strand), LOC130002133 (ATAC-STARR-seq lymphoblastoid silent region 20071; plus strand). Cytogenetic location: 9q22.32.
Variant type: Microsatellite.
Coding change: c.-24GGC[10] on transcript NM_000264.5 (MANE Select); ten copies in a row of the 3-base unit GGC starting at c.-24; the reference has seven copies in a row; three copies, 9 bases duplicated.
Molecular consequence: 5 prime UTR variant. On other transcripts: non-coding transcript variant (1), intron variant (3).
Genome position (GRCh38, 1-based): chr9:95,508,365-95,508,373, GCCGCCGCC duplicated on the plus strand (GGCGGCGGC on the coding strand, the reverse complement: PTCH1 is on the minus strand); duplicating any 9 consecutive bases within chr9:95,508,365-95,508,387 gives the same sequence; the position shown is the placement nearest the transcript's 3' end. VCF-style (leftmost placement, unchanged base first): chr9-95508364-T-TGCCGCCGCC. GRCh37 (hg19) VCF-style: chr9-98270646-T-TGCCGCCGCC.
Other names: c.-24GGC[10] (NM_001354918.2); c.199-1786GGC[10] (NM_001083603.3); c.4-1786GGC[10] (NM_001083602.3, NM_001354919.2); c.-12_-4dup9 (NM_000264.3).
Identifiers: ClinVar variation 418688 (VCV000418688.4), dbSNP rs71366293, ClinGen allele CA16618916.
Genomic context (GRCh38, chr9:95,508,364, plus strand): 5'-AGCCGCTGCCGCCGCCGCCGCGGTCCTGGGGCTCGGCGGCGTTACCAGCCGAGGCCATGT[T>TGCCGCCGCC]GCCGCCGCCGCCGCCGCCGCCGCGGGGACGGAGGCTTCCCGGGCGGCCCGGCGCGCTGCT-3'